The following is an entry in ClinVar:

NM_014795.4(ZEB2):c.656del (p.Gly219fs)

Gene: ZEB2 (zinc finger E-box binding homeobox 2; minus strand). Cytogenetic location: 2q22.3.
Variant type: Deletion.
Coding change: c.656del on transcript NM_014795.4 (MANE Select); coding-DNA position 656, one base deleted (G; older notation c.656delG).
Protein change: p.Gly219fs; shifts the reading frame from glycine 219.
Molecular consequence: frameshift variant.
Genome position (GRCh38, 1-based): chr2:144,404,067, C deleted on the plus strand (G on the coding strand, the reverse complement: ZEB2 is on the minus strand); the first of 4 consecutive C bases (chr2:144,404,067-144,404,070); deleting any one gives the same sequence. VCF-style (leftmost placement, unchanged base first): chr2-144404066-GC-G. GRCh37 (hg19) VCF-style: chr2-145161633-GC-G.
Other names: c.584del, p.Gly195fs (NM_001171653.2); short protein forms G195fs, G219fs.
Identifiers: ClinVar variation 691991 (VCV000691991.1), dbSNP rs1573721242, ClinGen allele CA915942802.
Genomic context (GRCh38, chr2:144,404,066, plus strand): 5'-CTCTTCATTCTTCTCGTGGCGGTACTTGATGTGCTCCTTCAGTGATGTCAAGCGCTTGTA[GC>G]CCCGGTCGCAGTAGGGGCAGGTCAGCAGTTGGGCAAAAGCATCTGGAGTTCCAGGTGGCA-3'

ClinVar aggregate classification (germline): Pathogenic (1 of 4 stars; one submission).

Conditions:
Mowat-Wilson syndrome (MOWS). Also called: Classic Mowat-Wilson Syndrome. Identifiers: Orphanet 2152, MedGen C1856113, MONDO:0009341, OMIM 235730.

Submission:

Rady Children's Institute for Genomic Medicine, Rady Children's Hospital San Diego
Classification: Pathogenic for MOWAT-WILSON SYNDROME. Last evaluated: 2017-06-02. Review status: criteria provided, single submitter. Criteria: ACMG Guidelines, 2015. Collection method: clinical testing. Allele origin: germline. Affected: yes. Observed: 1 variant allele.
Comment: The c.656delG (p.Gly219AlafsTer5) variant is a novel frameshift variant that is predicted to result in premature truncation of ZEB2 protein. This variant was not previously reported in the literature and/or found in the 1000 Genomes, Exome Variant Server (EVS), and Exome Aggregation Consortium (ExAC) databases. Thus it is presumed to be rare. However, multiple pathogenic downstream nonsense and frameshift variants have been reported in ZEB2 (PMID: 16053902). Based on the combined evidence, this variant is classified as pathogenic.